The following is an entry in ClinVar:

NM_000474.4(TWIST1):c.280_297del (p.Ser94_Ser99del)

Gene: TWIST1 (twist family bHLH transcription factor 1; minus strand). Cytogenetic location: 7p21.1.
Variant type: Deletion.
Coding change: c.280_297del on transcript NM_000474.4 (MANE Select); coding-DNA positions 280 to 297, 18 bases deleted (AGCAGCGGCGGCGGGAGT).
Protein change: p.Ser94_Ser99del.
Molecular consequence: inframe deletion. On other transcripts: non-coding transcript variant (1).
Genome position (GRCh38, 1-based): chr7:19,117,025-19,117,042, ACTCCCGCCGCCGCTGCT deleted on the plus strand (AGCAGCGGCGGCGGGAGT on the coding strand, the reverse complement: TWIST1 is on the minus strand). VCF-style (leftmost placement, unchanged base first): chr7-19117024-GACTCCCGCCGCCGCTGCT-G. GRCh37 (hg19) VCF-style: chr7-19156647-GACTCCCGCCGCCGCTGCT-G.
Identifiers: ClinVar variation 2576918 (VCV002576918.1), dbSNP rs2486050101, ClinGen allele CA2580615856.

ClinVar aggregate classification (germline): Uncertain significance (1 of 4 stars; one submission).

Submission:

GeneDx
Classification: Uncertain significance. Last evaluated: 2023-02-18. Review status: criteria provided, single submitter. Criteria: GeneDx Variant Classification Process June 2021. Collection method: clinical testing. Allele origin: germline. Affected: yes.
Comment: Not observed at significant frequency in large population cohorts (gnomAD); In-frame deletion of 6 amino acids in a non-repeat region; In silico analysis supports a deleterious effect on protein structure/function; Has not been previously published as pathogenic or benign to our knowledge